The following is an entry in ClinVar:

ClinVar aggregate classification (germline): Likely benign. Review status: criteria provided, multiple submitters, no conflicts (2 of 4 stars). 2 submissions from 2 submitters: Likely benign (2). Last evaluated 2024-09-20.

Conditions:
Hereditary diffuse gastric adenocarcinoma (HDGC). Also called: DIFFUSE GASTRIC AND LOBULAR BREAST CANCER SYNDROME. Identifiers: Orphanet 26106, MedGen C1708349, MONDO:0007648, OMIM 137215.

Allele frequency attached by ClinVar (database versions not stated): gnomAD exomes below 0.00001; TOPMed below 0.00001; gnomAD 0.00001.
gnomAD v4.1: 3 of 1,608,554 alleles (0.00019%); highest among the groups gnomAD compares: African/African-American, 0.0027%; no homozygotes.

Submissions (2):

Myriad Genetics, Inc.
Classification: Likely benign for Hereditary diffuse gastric adenocarcinoma. Last evaluated: 2024-09-20. Review status: criteria provided, single submitter. Criteria: Myriad Autosomal Dominant, Autosomal Recessive and X-Linked Classification Criteria (2023). Collection method: clinical testing. Allele origin: unknown.
Comment: This variant is considered likely benign. This variant is intronic and is not expected to impact mRNA splicing.

Labcorp Genetics (formerly Invitae), Labcorp
Classification: Likely benign for Hereditary diffuse gastric adenocarcinoma. Last evaluated: 2024-03-02. Review status: criteria provided, single submitter. Criteria: Invitae Variant Classification Sherloc (09022015). Collection method: clinical testing. Allele origin: germline.

NM_004360.5(CDH1):c.1936+9C>T

Gene: CDH1 (cadherin 1; plus strand). Cytogenetic location: 16q22.1.
Variant type: single nucleotide variant.
Coding change: c.1936+9C>T on transcript NM_004360.5 (MANE Select); 9 bases into the intron after coding-DNA position 1936, C replaced by T.
Molecular consequence: intron variant.
Genome position (GRCh38, 1-based): chr16:68,822,234, C>T. VCF-style: chr16-68822234-C-T. GRCh37 (hg19) VCF-style: chr16-68856137-C-T.
Other names: c.388+9C>T (NM_001317185.2); c.-30+9C>T (NM_001317186.2); c.1753+9C>T (NM_001317184.2).
Identifiers: ClinVar variation 2897055 (VCV002897055.4), dbSNP rs987321462, ClinGen allele CA283312248.